The following is an entry in ClinVar:

NM_018139.3(DNAAF2):c.*126T>A

Gene: DNAAF2 (dynein axonemal assembly factor 2; minus strand). Cytogenetic location: 14q21.3.
Variant type: single nucleotide variant.
Coding change: c.*126T>A on transcript NM_018139.3 (MANE Select); 126 bases downstream of the stop codon, T replaced by A.
Molecular consequence: 3 prime UTR variant.
Genome position (GRCh38, 1-based): chr14:49,625,416, A>T on the plus strand (T>A on the coding strand, the complement: DNAAF2 is on the minus strand). VCF-style: chr14-49625416-A-T. GRCh37 (hg19) VCF-style: chr14-50092134-A-T.
Other names: c.*126T>A (NM_001083908.2, NM_001378453.1).
Identifiers: ClinVar variation 313274 (VCV000313274.9), dbSNP rs8952, ClinGen allele CA10640239.
Genomic context (GRCh38, chr14:49,625,416, plus strand): 5'-AGGCAAAAAAAAAAAAATTATCTCCAATTTCCCCCATGAGAATCAAAATTGCAATTTTTT[A>T]AAAAAAATTGCAAATTTTAATTTTATACTTTAATACCTTTAGTTTTAAGACAACAGTTAA-3'

ClinVar aggregate classification (germline): Benign. Review status: criteria provided, multiple submitters, no conflicts (2 of 4 stars). 3 submissions from 3 submitters: Benign (3). Last evaluated 2019-04-10.

Conditions:
Primary ciliary dyskinesia 10. Also called: CILIARY DYSKINESIA, PRIMARY, 10, WITH OR WITHOUT SITUS INVERSUS. Identifiers: Orphanet 244, MedGen C2675867, MONDO:0012918, OMIM 612518.

Allele frequency attached by ClinVar (database versions not stated): gnomAD exomes 0.17800; gnomAD 0.25822 and 0.26193; TOPMed 0.27055; 1000 Genomes Project 0.29233; 1000 Genomes Project 30x 0.30122.
gnomAD v4.1: 141,774 of 725,522 alleles (20%); highest among the groups gnomAD compares: African/African-American, 49%; 16,925 homozygotes.

Submissions (3):

GeneDx
Classification: Benign. Last evaluated: 2019-04-10. Review status: criteria provided, single submitter. Criteria: GeneDx Variant Classification Process June 2021. Collection method: clinical testing. Allele origin: germline. Affected: yes.

Illumina Laboratory Services, Illumina
Classification: Benign for Primary ciliary dyskinesia 10. Last evaluated: 2018-01-13. Review status: criteria provided, single submitter. Criteria: ICSL Variant Classification Criteria 13 December 2019. Collection method: clinical testing. Allele origin: germline.
Comment: This variant was observed in the ICSL laboratory as part of a predisposition screen in an ostensibly healthy population. It had not been previously curated by ICSL or reported in the Human Gene Mutation Database (HGMD: prior to June 1st, 2018), and was therefore a candidate for classification through an automated scoring system. Utilizing variant allele frequency, disease prevalence and penetrance estimates, and inheritance mode, an automated score was calculated to assess if this variant is too frequent to cause the disease. Based on the score and internal cut-off values, a variant classified as benign is not then subjected to further curation. The score for this variant resulted in a classification of benign for this disease.

Breakthrough Genomics
Classification: Benign. Review status: criteria provided, single submitter. Criteria: ACMG Guidelines, 2015. Collection method: not provided. Allele origin: germline. Inheritance: Autosomal recessive inheritance. Affected: yes.